The following is an entry in ClinVar:

NM_032656.4(DHX37):c.3143C>G (p.Pro1048Arg)

Gene: DHX37 (DEAH-box helicase 37; minus strand). Cytogenetic location: 12q24.31.
Variant type: single nucleotide variant.
Coding change: c.3143C>G on transcript NM_032656.4 (MANE Select); coding-DNA position 3143, C replaced by G.
Protein change: p.Pro1048Arg; replaces proline 1048 with arginine.
Molecular consequence: missense variant.
Genome position (GRCh38, 1-based): chr12:124,950,222, G>C on the plus strand (C>G on the coding strand, the complement: DHX37 is on the minus strand). VCF-style: chr12-124950222-G-C. GRCh37 (hg19) VCF-style: chr12-125434768-G-C.
Other names: short protein forms P1048R.
Identifiers: ClinVar variation 1976864 (VCV001976864.5), dbSNP rs1316540629, ClinGen allele CA387217481.

ClinVar aggregate classification (germline): Uncertain significance (1 of 4 stars; one submission).

Submission:

Labcorp Genetics (formerly Invitae), Labcorp
Classification: Uncertain significance. Last evaluated: 2025-08-11. Review status: criteria provided, single submitter. Criteria: Invitae Variant Classification Sherloc (09022015). Collection method: clinical testing. Allele origin: germline.
Comment: This sequence change replaces proline, which is neutral and non-polar, with arginine, which is basic and polar, at codon 1048 of the DHX37 protein (p.Pro1048Arg). This variant is not present in population databases (gnomAD no frequency). This variant has not been reported in the literature in individuals affected with DHX37-related conditions. ClinVar contains an entry for this variant (Variation ID: 1976864). Invitae Evidence Modeling of protein sequence and biophysical properties (such as structural, functional, and spatial information, amino acid conservation, physicochemical variation, residue mobility, and thermodynamic stability) indicates that this missense variant is not expected to disrupt DHX37 protein function with a negative predictive value of 80%. In summary, the available evidence is currently insufficient to determine the role of this variant in disease. Therefore, it has been classified as a Variant of Uncertain Significance.